The following is an entry in ClinVar:

ClinVar aggregate classification (germline): Pathogenic (1 of 4 stars; one submission).

Conditions:
Dilated cardiomyopathy 1DD (CMD1DD). Identifiers: Orphanet 154, MedGen C2750995, MONDO:0013168, OMIM 613172.

Submission:

Labcorp Genetics (formerly Invitae), Labcorp
Classification: Pathogenic for Dilated cardiomyopathy 1DD. Last evaluated: 2025-11-21. Review status: criteria provided, single submitter. Criteria: Invitae Variant Classification Sherloc (09022015). Collection method: clinical testing. Allele origin: germline.
Comment: This sequence change creates a premature translational stop signal (p.His403Serfs*13) in the RBM20 gene. It is expected to result in an absent or disrupted protein product. Loss-of-function variants in RBM20 are known to be pathogenic (PMID: 20590677, 22004663, 38288598, 38510713, 40339755). This variant is not present in population databases (gnomAD no frequency). This variant has not been reported in the literature in individuals affected with RBM20-related conditions. ClinVar contains an entry for this variant (Variation ID: 939150). Algorithms developed to predict the effect of sequence changes on RNA splicing suggest that this variant may disrupt the consensus splice site. For these reasons, this variant has been classified as Pathogenic.

Literature cited by the submitters: PubMed 20590677; PubMed 22004663; PubMed 38288598; PubMed 38510713; PubMed 40339755.

NM_001134363.3(RBM20):c.1206dup (p.His403fs)

Gene: RBM20 (RNA binding motif protein 20; plus strand). Cytogenetic location: 10q25.2.
Variant type: Duplication.
Coding change: c.1206dup on transcript NM_001134363.3 (MANE Select); coding-DNA position 1206, one base duplicated (T; older notation c.1206dupT).
Protein change: p.His403fs; shifts the reading frame from histidine 403.
Molecular consequence: frameshift variant.
Genome position (GRCh38, 1-based): chr10:110,781,815, T duplicated; the last of 3 consecutive T bases (chr10:110,781,813-110,781,815); duplicating any one gives the same sequence. VCF-style (leftmost placement, unchanged base first): chr10-110781812-C-CT. GRCh37 (hg19) VCF-style: chr10-112541570-C-CT.
Other names: short protein forms H403fs.
Identifiers: ClinVar variation 939150 (VCV000939150.7), dbSNP rs1844355459, ClinGen allele CA1139661693.